The following is an entry in ClinVar:

NM_004370.6(COL12A1):c.673T>G (p.Tyr225Asp)

Gene: COL12A1 (collagen type XII alpha 1 chain; minus strand). Cytogenetic location: 6q13.
Variant type: single nucleotide variant.
Coding change: c.673T>G on transcript NM_004370.6 (MANE Select); coding-DNA position 673, T replaced by G.
Protein change: p.Tyr225Asp; replaces tyrosine 225 with aspartic acid.
Molecular consequence: missense variant. On other transcripts: intron variant (1).
Genome position (GRCh38, 1-based): chr6:75,189,367, A>C on the plus strand (T>G on the coding strand, the complement: COL12A1 is on the minus strand). VCF-style: chr6-75189367-A-C. GRCh37 (hg19) VCF-style: chr6-75899083-A-C.
Other names: c.73+13353T>G (NM_080645.3); short protein forms Y225D.
Identifiers: ClinVar variation 2147047 (VCV002147047.4), dbSNP rs370494661, ClinGen allele CA364728257.

ClinVar aggregate classification (germline): Uncertain significance (1 of 4 stars; one submission).

Conditions:
Ullrich congenital muscular dystrophy 2 (UCMD2). Identifiers: Orphanet 75840, MedGen C4225314, MONDO:0014654, OMIM 616470.
Bethlem myopathy 2 (BTHLM2). Identifiers: Orphanet 536516, Orphanet 610, MedGen C4225313, MONDO:0034022, OMIM 616471.

gnomAD v4.1: 2 of 1,612,674 alleles (0.00012%); highest among the groups gnomAD compares: Non-Finnish European, 0.00017%; no homozygotes.

Submission:

Labcorp Genetics (formerly Invitae), Labcorp
Classification: Uncertain significance for Bethlem myopathy 2; Ullrich congenital muscular dystrophy 2. Last evaluated: 2022-06-07. Review status: criteria provided, single submitter. Criteria: Invitae Variant Classification Sherloc (09022015). Collection method: clinical testing. Allele origin: germline.
Comment: This sequence change replaces tyrosine, which is neutral and polar, with aspartic acid, which is acidic and polar, at codon 225 of the COL12A1 protein (p.Tyr225Asp). This variant is not present in population databases (gnomAD no frequency). This variant has not been reported in the literature in individuals affected with COL12A1-related conditions. Algorithms developed to predict the effect of missense changes on protein structure and function are either unavailable or do not agree on the potential impact of this missense change (SIFT: "Deleterious"; PolyPhen-2: "Probably Damaging"; Align-GVGD: "Class C0"). In summary, the available evidence is currently insufficient to determine the role of this variant in disease. Therefore, it has been classified as a Variant of Uncertain Significance.